The following is an entry in ClinVar:

ClinVar aggregate classification (germline): Uncertain significance (1 of 4 stars; one submission).

Allele frequency attached by ClinVar (database versions not stated): ExAC 0.00001; gnomAD 0.00001; TOPMed 0.00001.

Submission:

Women's Health and Genetics/Laboratory Corporation of America, LabCorp
Classification: Uncertain significance. Last evaluated: 2023-07-27. Review status: criteria provided, single submitter. Criteria: LabCorp Variant Classification Summary - May 2015. Collection method: clinical testing. Allele origin: germline.
Comment: Variant summary: LHX3 c.613G>C (p.Val205Leu) results in a conservative amino acid change located in the homeobox domain (IPR001356) of the encoded protein sequence. Three of five in-silico tools predict a damaging effect of the variant on protein function. The variant allele was found at a frequency of 2.9e-05 in 207862 control chromosomes (gnomAD). c.613G>C has been reported in the literature as a compound heterozygous genotype in one individual and a pair of siblings affected with Combined Pituitary Hormone Deficiency (Ouyang_2021, Lin_2022). These data indicate that the variant may be associated with disease. To our knowledge, no experimental evidence demonstrating an impact on protein function has been reported. The following publications have been ascertained in the context of this evaluation (PMID: 34490048, 36387827). No submitters have cited clinical-significance assessments for this variant to ClinVar after 2014. Based on the evidence outlined above, the variant was classified as VUS-possibly pathogenic.

Literature cited by the submitters: PubMed 34490048; PubMed 36387827.

NM_178138.6(LHX3):c.598G>C (p.Val200Leu)

Gene: LHX3 (LIM homeobox 3; minus strand). Cytogenetic location: 9q34.3.
Variant type: single nucleotide variant.
Coding change: c.598G>C on transcript NM_178138.6 (MANE Select); coding-DNA position 598, G replaced by C.
Protein change: p.Val200Leu; replaces valine 200 with leucine.
Molecular consequence: missense variant.
Genome position (GRCh38, 1-based): chr9:136,198,916, C>G on the plus strand (G>C on the coding strand, the complement: LHX3 is on the minus strand). VCF-style: chr9-136198916-C-G. GRCh37 (hg19) VCF-style: chr9-139090762-C-G.
Other names: c.565G>C, p.Val189Leu (NM_001363746.1); c.613G>C, p.Val205Leu (NM_014564.5); short protein forms V189L, V200L, V205L.
Identifiers: ClinVar variation 2577103 (VCV002577103.1), dbSNP rs747568094, ClinGen allele CA5330449.